The following is an entry in ClinVar:

NC_000010.10:g.(?_73499381)_(73862745_?)dup

Genes: ASCC1 (activating signal cointegrator 1 complex subunit 1; minus strand), CDH23 (cadherin related 23; plus strand), CHST3 (carbohydrate sulfotransferase 3; plus strand), PSAP (prosaposin; minus strand), SPOCK2 (SPARC (osteonectin), cwcv and kazal like domains proteoglycan 2; minus strand) and 1 more. Cytogenetic location: 10q22.1.
Variant type: Duplication.
Identifiers: ClinVar variation 2424542 (VCV002424542.4).

ClinVar aggregate classification (germline): Uncertain significance (1 of 4 stars; one submission).

Conditions:
Sphingolipid activator protein 1 deficiency. Also called: METACHROMATIC LEUKODYSTROPHY DUE TO CEREBROSIDE SULFATASE ACTIVATOR DEFICIENCY; Saposin B Deficiency; Metachromatic leukodystrophy due to saposin B deficiency. Identifiers: Orphanet 512, MedGen C0268262, MONDO:0009590, OMIM 249900.

Submission:

Labcorp Genetics (formerly Invitae), Labcorp
Classification: Uncertain significance for Sphingolipid activator protein 1 deficiency. Last evaluated: 2022-07-30. Review status: criteria provided, single submitter. Criteria: Invitae Variant Classification Sherloc (09022015). Collection method: clinical testing. Allele origin: germline.
Comment: A copy number gain of the genomic region encompassing the full coding sequence of the PSAP gene has been identified. The boundaries of this event are unknown as they extend beyond the assayed region for this gene and therefore may encompass additional genes. As the precise location of this event is unknown, it may be in tandem or it may be located elsewhere in the genome. This variant has not been reported in the literature in individuals affected with PSAP-related conditions. In summary, the available evidence is currently insufficient to determine the role of this variant in disease. Therefore, it has been classified as a Variant of Uncertain Significance.